The following is an entry in ClinVar:

NM_003172.4(SURF1):c.212T>C (p.Val71Ala)

Gene: SURF1 (SURF1 cytochrome c oxidase assembly factor; minus strand). Cytogenetic location: 9q34.2.
Variant type: single nucleotide variant.
Coding change: c.212T>C on transcript NM_003172.4 (MANE Select); coding-DNA position 212, T replaced by C.
Protein change: p.Val71Ala; replaces valine 71 with alanine.
Molecular consequence: missense variant. On other transcripts: 5 prime UTR variant (1).
Genome position (GRCh38, 1-based): chr9:133,354,852, A>G on the plus strand (T>C on the coding strand, the complement: SURF1 is on the minus strand). VCF-style: chr9-133354852-A-G. GRCh37 (hg19) VCF-style: chr9-136221707-A-G.
Other names: c.-116T>C (NM_001280787.1); short protein forms V71A.
Identifiers: ClinVar variation 1957459 (VCV001957459.2), dbSNP rs1422504332, ClinGen allele CA375694775.

ClinVar aggregate classification (germline): Uncertain significance (1 of 4 stars; one submission).

Conditions:
Leigh syndrome (NULS). Also called: Leigh's necrotizing encephalopathy; Leigh's disease; Leigh Syndrome (mtDNA deletion); Leigh's syndrome; LEIGH SYNDROME, NUCLEAR; Leigh Disease. Identifiers: Orphanet 506, MedGen C2931891, MONDO:0009723, OMIM 256000.

Allele frequency attached by ClinVar (database versions not stated): gnomAD exomes below 0.00001; TOPMed 0.00001.

Submission:

Labcorp Genetics (formerly Invitae), Labcorp
Classification: Uncertain significance for Leigh syndrome. Last evaluated: 2022-06-14. Review status: criteria provided, single submitter. Criteria: Invitae Variant Classification Sherloc (09022015). Collection method: clinical testing. Allele origin: germline.
Comment: This sequence change replaces valine, which is neutral and non-polar, with alanine, which is neutral and non-polar, at codon 71 of the SURF1 protein (p.Val71Ala). This variant is not present in population databases (gnomAD no frequency). This variant has not been reported in the literature in individuals affected with SURF1-related conditions. Algorithms developed to predict the effect of missense changes on protein structure and function output the following: SIFT: "Tolerated"; PolyPhen-2: "Benign"; Align-GVGD: "Class C0". The alanine amino acid residue is found in multiple mammalian species, which suggests that this missense change does not adversely affect protein function. In summary, the available evidence is currently insufficient to determine the role of this variant in disease. Therefore, it has been classified as a Variant of Uncertain Significance.